The following is an entry in ClinVar:

ClinVar aggregate classification (germline): Likely benign. Review status: criteria provided, single submitter (1 of 4 stars). 2 submissions from 2 submitters: Likely benign (1). 1 of the submissions does not count toward it. Last evaluated 2019-12-31.

Conditions:
PROK2-related disorder. Also called: PROK2-related condition.

Allele frequency attached by ClinVar (database versions not stated): ExAC 0.00001; gnomAD exomes 0.00001 and 0.00002; gnomAD 0.00009 and 0.00012; TOPMed 0.00028.
gnomAD v4.1: 35 of 1,611,070 alleles (0.0022%); highest among the groups gnomAD compares: Admixed American, 0.037%; no homozygotes.

Submissions (2):

Labcorp Genetics (formerly Invitae), Labcorp
Classification: Likely benign. Last evaluated: 2019-12-31. Review status: criteria provided, single submitter. Criteria: Invitae Variant Classification Sherloc (09022015). Collection method: clinical testing. Allele origin: germline.

PreventionGenetics, part of Exact Sciences
Classification: Likely benign for PROK2-related condition. Last evaluated: 2021-06-29. Review status: no assertion criteria provided. Collection method: clinical testing. Allele origin: germline. Not counted in ClinVar's aggregate classification.
Comment: This variant is classified as likely benign based on ACMG/AMP sequence variant interpretation guidelines (Richards et al. 2015 PMID: 25741868, with internal and published modifications).

NM_001126128.2(PROK2):c.99T>C (p.Ala33=)

Gene: PROK2 (prokineticin 2; minus strand). Cytogenetic location: 3p13.
Variant type: single nucleotide variant.
Coding change: c.99T>C on transcript NM_001126128.2 (MANE Select); coding-DNA position 99, T replaced by C.
Protein change: p.Ala33=; no amino-acid change (alanine 33 retained).
Molecular consequence: synonymous variant.
Genome position (GRCh38, 1-based): chr3:71,781,590, A>G on the plus strand (T>C on the coding strand, the complement: PROK2 is on the minus strand). VCF-style: chr3-71781590-A-G. GRCh37 (hg19) VCF-style: chr3-71830741-A-G.
Other names: c.99T>C, p.Ala33= (NM_021935.4).
Identifiers: ClinVar variation 704985 (VCV000704985.6), dbSNP rs775415770, ClinGen allele CA2492014.